The following is an entry in ClinVar:

NM_000059.4(BRCA2):c.5524C>T (p.Pro1842Ser)

Gene: BRCA2 (BRCA2 DNA repair associated; plus strand). Cytogenetic location: 13q13.1.
Variant type: single nucleotide variant.
Coding change: c.5524C>T on transcript NM_000059.4 (MANE Select); coding-DNA position 5524, C replaced by T.
Protein change: p.Pro1842Ser; replaces proline 1842 with serine.
Molecular consequence: missense variant.
Genome position (GRCh38, 1-based): chr13:32,339,879, C>T. VCF-style: chr13-32339879-C-T. GRCh37 (hg19) VCF-style: chr13-32914016-C-T.
Other names: c.5524C>T, p.Pro1842Ser (NM_001406719.1, NM_001406720.1); short protein forms P1842S.
Identifiers: ClinVar variation 2041920 (VCV002041920.10), dbSNP rs2072531201, ClinGen allele CA387785892.
Genomic context (GRCh38, chr13:32,339,879, plus strand): 5'-AATAAAAATGCAGCCATTAAATTGTCCATATCTAATAGTAATAATTTTGAGGTAGGGCCA[C>T]CTGCATTTAGGATAGCCAGTGGTAAAATCGTTTGTGTTTCACATGAAACAATTAAAAAAG-3'
Protein context (NP_000050.3, residues 1832-1852): SNSNNFEVGP[Pro1842Ser]AFRIASGKIV

ClinVar aggregate classification (germline): Conflicting classifications of pathogenicity. Review status: criteria provided, conflicting classifications (1 of 4 stars). 5 submissions from 5 submitters: Uncertain significance (3); Likely benign (2). Last evaluated 2025-08-20.

Conditions:
Hereditary breast ovarian cancer syndrome. Also called: Hereditary breast and ovarian cancer syndrome; Hereditary breast and ovarian cancer syndrome (HBOC); Hereditary breast and/or ovarian cancer syndrome; Hereditary breast and ovarian cancer; BRCA1- and BRCA2-Associated Hereditary Breast and Ovarian Cancer; Breast and ovarian cancer. Identifiers: Orphanet 145, MedGen C0677776, MeSH D061325, MONDO:0003582. Disease mechanism: loss of function.
Hereditary cancer-predisposing syndrome. Also called: Hereditary Cancer Syndrome; Tumor predisposition; Neoplastic Syndromes, Hereditary; Hereditary neoplastic syndrome. Identifiers: Orphanet 140162, MedGen C0027672, MeSH D009386, MONDO:0015356.
Breast-ovarian cancer, familial, susceptibility to, 2 (BROVCA2). Also called: BRCA2 Hereditary Breast and Ovarian Cancer. Identifiers: Orphanet 145, MedGen C2675520, MONDO:0012933, OMIM 612555. Disease mechanism: loss of function.
Familial cancer of breast. Also called: Hereditary breast cancer; hereditary breast carcinoma; BREAST CANCER, FAMILIAL. Identifiers: Orphanet 227535, MedGen C0346153, MONDO:0016419, OMIM 114480. Disease mechanism: loss of function.

Submissions (5):

Color Diagnostics, LLC DBA Color Health
Classification: Uncertain significance for Hereditary cancer-predisposing syndrome. Last evaluated: 2025-08-20. Review status: criteria provided, single submitter. Criteria: ACMG Guidelines, 2015. Collection method: clinical testing. Allele origin: germline.
Comment: This missense variant replaces proline with serine at codon 1842 of the BRCA2 protein. Computational prediction suggests that this variant may not impact protein structure and function. To our knowledge, functional studies have not been reported for this variant. This variant has been reported in a suspected hereditary breast and ovarian cancer family (PMID: 38874686). This variant has not been identified in the general population by the Genome Aggregation Database (gnomAD). The available evidence is insufficient to determine the role of this variant in disease conclusively. Therefore, this variant is classified as a Variant of Uncertain Significance.

Ambry Genetics
Classification: Uncertain significance for Hereditary cancer-predisposing syndrome. Last evaluated: 2025-01-25. Review status: criteria provided, single submitter. Criteria: Ambry Variant Classification Scheme 2023. Collection method: clinical testing. Allele origin: germline.
Comment: The p.P1842S variant (also known as c.5524C>T), located in coding exon 10 of the BRCA2 gene, results from a C to T substitution at nucleotide position 5524. The proline at codon 1842 is replaced by serine, an amino acid with similar properties. This variant was reported in 1 of 701 Brazilian individuals with features consistent with a hereditary breast and/or ovarian cancer syndrome (Faria JP et al. Breast Cancer Res Treat, 2024 Oct;207:615-624). This amino acid position is well conserved in available vertebrate species. In addition, the in silico prediction for this alteration is inconclusive. Based on the available evidence, the clinical significance of this variant remains unclear.

Department of Pathology and Laboratory Medicine, Sinai Health System
Classification: Likely benign for Familial cancer of breast; Breast-ovarian cancer, familial, susceptibility to, 2. Last evaluated: 2024-04-08. Review status: criteria provided, single submitter. Criteria: ACMG Guidelines, 2015. Collection method: clinical testing. Allele origin: germline. Affected: yes.

University of Washington Department of Laboratory Medicine, University of Washington
Classification: Likely benign for Hereditary cancer-predisposing syndrome. Last evaluated: 2023-03-23. Review status: criteria provided, single submitter. Criteria: Dines et al. (Genet Med. 2020). Collection method: curation. Allele origin: germline.
Comment: Missense variant in a coldspot region where missense variants are very unlikely to be pathogenic (PMID:31911673).

BRCA2 exon 11 coldspot. Reclassification based on statistical prior probability.

Labcorp Genetics (formerly Invitae), Labcorp
Classification: Uncertain significance for Hereditary breast ovarian cancer syndrome. Last evaluated: 2021-12-13. Review status: criteria provided, single submitter. Criteria: Invitae Variant Classification Sherloc (09022015). Collection method: clinical testing. Allele origin: germline.
Comment: In summary, the available evidence is currently insufficient to determine the role of this variant in disease. Therefore, it has been classified as a Variant of Uncertain Significance. Advanced modeling of protein sequence and biophysical properties (such as structural, functional, and spatial information, amino acid conservation, physicochemical variation, residue mobility, and thermodynamic stability) performed at Invitae indicates that this missense variant is not expected to disrupt BRCA2 protein function. This variant has not been reported in the literature in individuals affected with BRCA2-related conditions. This variant is not present in population databases (gnomAD no frequency). This sequence change replaces proline, which is neutral and non-polar, with serine, which is neutral and polar, at codon 1842 of the BRCA2 protein (p.Pro1842Ser).

Literature cited by the submitters: PubMed 38874686 (cited by Color Diagnostics, LLC DBA Color Health and Ambry Genetics).